The following is an entry in ClinVar:

ClinVar aggregate classification (germline): Benign/Likely benign. Review status: criteria provided, multiple submitters, no conflicts (2 of 4 stars). 4 submissions from 4 submitters: Benign (1); Likely benign (3). Last evaluated 2026-09-23.

Conditions:
TSC2-related disorder. Also called: TSC2-related condition; TSC2-Related Disorders.
Tuberous sclerosis 2 (TSC2). Identifiers: Orphanet 805, MedGen C1860707, MONDO:0013199, OMIM 613254.
Hereditary cancer-predisposing syndrome. Also called: Tumor predisposition; Hereditary neoplastic syndrome; Hereditary Cancer Syndrome; Neoplastic Syndromes, Hereditary. Identifiers: Orphanet 140162, MedGen C0027672, MeSH D009386, MONDO:0015356.

Allele frequency attached by ClinVar (database versions not stated): gnomAD exomes 0.00001 and 0.00002; TOPMed 0.00001; ExAC 0.00003.
gnomAD v4.1: 7 of 1,612,792 alleles (0.00043%); highest among the groups gnomAD compares: East Asian, 0.013%; no homozygotes.

Submissions (4):

PreventionGenetics, part of Exact Sciences
Classification: Likely benign for TSC2-related condition. Last evaluated: 2026-09-23. Review status: criteria provided, single submitter. Criteria: ACMG Guidelines, 2015. Collection method: clinical testing. Allele origin: germline.
Comment: This variant is classified as likely benign based on ACMG/AMP sequence variant interpretation guidelines (Richards et al. 2015 PMID: 25741868, with internal and published modifications).

Labcorp Genetics (formerly Invitae), Labcorp
Classification: Likely benign for Tuberous sclerosis 2. Last evaluated: 2026-01-19. Review status: criteria provided, single submitter. Criteria: Invitae Variant Classification Sherloc (09022015). Collection method: clinical testing. Allele origin: germline.

Myriad Genetics, Inc.
Classification: Benign for Tuberous sclerosis 2. Last evaluated: 2025-06-06. Review status: criteria provided, single submitter. Criteria: Myriad Autosomal Dominant, Autosomal Recessive and X-Linked Classification Criteria (2023). Collection method: clinical testing. Allele origin: unknown.
Comment: This variant is considered benign. This variant is a silent/synonymous amino acid change and it is not expected to impact splicing.

Ambry Genetics
Classification: Likely benign for Hereditary cancer-predisposing syndrome. Last evaluated: 2018-12-03. Review status: criteria provided, single submitter. Criteria: Ambry Variant Classification Scheme 2023. Collection method: clinical testing. Allele origin: germline.

NM_000548.5(TSC2):c.5088C>T (p.Asp1696=)

Gene: TSC2 (TSC complex subunit 2; plus strand). Cytogenetic location: 16p13.3.
Variant type: single nucleotide variant.
Coding change: c.5088C>T on transcript NM_000548.5 (MANE Select); coding-DNA position 5088, C replaced by T.
Protein change: p.Asp1696=; no amino-acid change (aspartic acid 1696 retained).
Molecular consequence: synonymous variant.
Genome position (GRCh38, 1-based): chr16:2,088,067, C>T. VCF-style: chr16-2088067-C-T. GRCh37 (hg19) VCF-style: chr16-2138068-C-T.
Other names: c.4887C>T, p.Asp1629= (NM_001077183.3); c.5019C>T, p.Asp1673= (NM_001114382.3); c.4779C>T, p.Asp1593= (NM_001318827.2); c.4743C>T, p.Asp1581= (NM_001318829.2); c.4356C>T, p.Asp1452= (NM_001318831.2); c.4920C>T, p.Asp1640= (NM_001318832.2); c.4890C>T, p.Asp1630= (NM_001363528.2); c.4956C>T, p.Asp1652= (NM_001370404.1); and 2 more.
Identifiers: ClinVar variation 698034 (VCV000698034.15), dbSNP rs766472320, ClinGen allele CA053907.
Genomic context (GRCh38, chr16:2,088,067, plus strand): 5'-CCAAGAGCCCTGGGCCTGGCGTGACCACCAAGTCTCCCCAGACATGGAGGGCCTTGTGGA[C>T]ACCAGCGTGGCCAAGATCGTGTCTGACCGCAACCTGCCCTTCGTGGCCCGCCAGATGGCC-3'
Protein context (NP_000539.2, residues 1686-1706): QCRKDMEGLV[Asp1696=]TSVAKIVSDR